The following is an entry in ClinVar:

ClinVar aggregate classification (germline): Uncertain significance (1 of 4 stars; one submission).

Conditions:
Hyperkalemic periodic paralysis. Also called: Familial hyperkalemic periodic paralysis; Gamstorp disease. Identifiers: Orphanet 682, MedGen C0238357, MONDO:0008224, OMIM 170500, HP:0007215.

Allele frequency attached by ClinVar (database versions not stated): TOPMed below 0.00001.

Submission:

Labcorp Genetics (formerly Invitae), Labcorp
Classification: Uncertain significance for Hyperkalemic periodic paralysis. Last evaluated: 2022-06-23. Review status: criteria provided, single submitter. Criteria: Invitae Variant Classification Sherloc (09022015). Collection method: clinical testing. Allele origin: germline.
Comment: In summary, the available evidence is currently insufficient to determine the role of this variant in disease. Therefore, it has been classified as a Variant of Uncertain Significance. Algorithms developed to predict the effect of missense changes on protein structure and function (SIFT, PolyPhen-2, Align-GVGD) all suggest that this variant is likely to be disruptive. This variant has not been reported in the literature in individuals affected with SCN4A-related conditions. This variant is not present in population databases (gnomAD no frequency). This sequence change replaces cysteine, which is neutral and slightly polar, with arginine, which is basic and polar, at codon 737 of the SCN4A protein (p.Cys737Arg).

NM_000334.4(SCN4A):c.2209T>C (p.Cys737Arg)

Genes: GH-LCR (growth hormone locus control region; plus strand), SCN4A (sodium voltage-gated channel alpha subunit 4; minus strand). Cytogenetic location: 17q23.3.
Variant type: single nucleotide variant.
Coding change: c.2209T>C on transcript NM_000334.4 (MANE Select); coding-DNA position 2209, T replaced by C.
Protein change: p.Cys737Arg; replaces cysteine 737 with arginine.
Molecular consequence: missense variant.
Genome position (GRCh38, 1-based): chr17:63,957,329, A>G on the plus strand (T>C on the coding strand, the complement: SCN4A is on the minus strand). VCF-style: chr17-63957329-A-G. GRCh37 (hg19) VCF-style: chr17-62034689-A-G.
Other names: short protein forms C737R.
Identifiers: ClinVar variation 2009973 (VCV002009973.4), dbSNP rs1297668639, ClinGen allele CA400630188.